The following is an entry in ClinVar:

NM_000535.7(PMS2):c.353+7C>G

Gene: PMS2 (PMS1 homolog 2, mismatch repair system component; minus strand). Cytogenetic location: 7p22.1.
Variant type: single nucleotide variant.
Coding change: c.353+7C>G on transcript NM_000535.7 (MANE Select); 7 bases into the intron after coding-DNA position 353, C replaced by G.
Molecular consequence: intron variant.
Genome position (GRCh38, 1-based): chr7:6,003,683, G>C on the plus strand (C>G on the coding strand, the complement: PMS2 is on the minus strand). VCF-style: chr7-6003683-G-C. GRCh37 (hg19) VCF-style: chr7-6043314-G-C.
Other names: c.35+289C>G (NM_001322008.2, NM_001322007.2); c.-53+7C>G (NM_001322010.2, NM_001322004.2, NM_001322013.2 and 3 more transcripts); c.-532+7C>G (NM_001322012.2, NM_001322011.2); c.-132+7C>G (NM_001322015.2); c.353+7C>G (NM_001322006.2, NM_001322014.2).
Identifiers: ClinVar variation 416567 (VCV000416567.13), dbSNP rs1057520512, ClinGen allele CA16612287.

ClinVar aggregate classification (germline): Likely benign. Review status: criteria provided, multiple submitters, no conflicts (2 of 4 stars). 3 submissions from 3 submitters: Likely benign (3). Last evaluated 2025-09-13.

Conditions:
Hereditary nonpolyposis colorectal neoplasms. Identifiers: MedGen C0009405, MeSH D003123.
Lynch syndrome 4 (LYNCH4). Also called: Colorectal cancer, hereditary nonpolyposis, type 4; Hereditary non-polyposis colorectal cancer, type 4. Identifiers: Orphanet 144, MedGen C1838333, MONDO:0013699, OMIM 614337. Disease mechanism: loss of function.

gnomAD v4.1: 1 of 1,483,796 alleles (0.000067%); highest among the groups gnomAD compares: Non-Finnish European, 0.000093%; no homozygotes.

Submissions (3):

Labcorp Genetics (formerly Invitae), Labcorp
Classification: Likely benign for Hereditary nonpolyposis colorectal neoplasms. Last evaluated: 2025-09-13. Review status: criteria provided, single submitter. Criteria: Invitae Variant Classification Sherloc (09022015). Collection method: clinical testing. Allele origin: germline.

Myriad Genetics, Inc.
Classification: Likely benign for Lynch syndrome 4. Last evaluated: 2025-01-24. Review status: criteria provided, single submitter. Criteria: Myriad Autosomal Dominant, Autosomal Recessive and X-Linked Classification Criteria (2023). Collection method: clinical testing. Allele origin: unknown.
Comment: This variant is considered likely benign. This variant is intronic and is not expected to impact mRNA splicing.

Mendelics
Classification: Likely benign for Lynch syndrome 4. Last evaluated: 2019-05-28. Review status: criteria provided, single submitter. Criteria: Mendelics Assertion Criteria 2017. Collection method: clinical testing. Allele origin: unknown.